The following is an entry in ClinVar:

NM_001127671.2(LIFR):c.1903C>T (p.Gln635Ter)

Gene: LIFR (LIF receptor subunit alpha; minus strand). Cytogenetic location: 5p13.1.
Variant type: single nucleotide variant.
Coding change: c.1903C>T on transcript NM_001127671.2 (MANE Select); coding-DNA position 1903, C replaced by T.
Protein change: p.Gln635Ter; replaces glutamine 635 with a stop codon.
Molecular consequence: nonsense.
Genome position (GRCh38, 1-based): chr5:38,493,768, G>A on the plus strand (C>T on the coding strand, the complement: LIFR is on the minus strand). VCF-style: chr5-38493768-G-A. GRCh37 (hg19) VCF-style: chr5-38493870-G-A.
Other names: c.1903C>T, p.Gln635Ter (NM_001364297.2, NM_001364298.2, NM_002310.6); short protein forms Q635*.
Identifiers: ClinVar variation 2064642 (VCV002064642.4), dbSNP rs2530989090, ClinGen allele CA359539383.

ClinVar aggregate classification (germline): Pathogenic (1 of 4 stars; one submission).

Submission:

Labcorp Genetics (formerly Invitae), Labcorp
Classification: Pathogenic. Last evaluated: 2021-12-29. Review status: criteria provided, single submitter. Criteria: Invitae Variant Classification Sherloc (09022015). Collection method: clinical testing. Allele origin: germline.
Comment: This sequence change creates a premature translational stop signal (p.Gln635*) in the LIFR gene. It is expected to result in an absent or disrupted protein product. Loss-of-function variants in LIFR are known to be pathogenic (PMID: 14740318). This variant is not present in population databases (gnomAD no frequency). This variant has not been reported in the literature in individuals affected with LIFR-related conditions. For these reasons, this variant has been classified as Pathogenic.

Literature cited by the submitters: PubMed 14740318.